The following is an entry in ClinVar:

NM_021813.4(BACH2):c.2151C>G (p.Ile717Met)

Gene: BACH2 (BACH transcriptional regulator 2; minus strand). Cytogenetic location: 6q15.
Variant type: single nucleotide variant.
Coding change: c.2151C>G on transcript NM_021813.4 (MANE Select); coding-DNA position 2151, C replaced by G.
Protein change: p.Ile717Met; replaces isoleucine 717 with methionine.
Molecular consequence: missense variant.
Genome position (GRCh38, 1-based): chr6:89,932,783, G>C on the plus strand (C>G on the coding strand, the complement: BACH2 is on the minus strand). VCF-style: chr6-89932783-G-C. GRCh37 (hg19) VCF-style: chr6-90642502-G-C.
Other names: c.2151C>G, p.Ile717Met (NM_001170794.2); short protein forms I717M.
Identifiers: ClinVar variation 1442076 (VCV001442076.8), dbSNP rs1772753692, ClinGen allele CA365027540.

ClinVar aggregate classification (germline): Uncertain significance (1 of 4 stars; one submission).

Allele frequency attached by ClinVar (database versions not stated): gnomAD exomes below 0.00001.
gnomAD v4.1: 4 of 1,613,588 alleles (0.00025%); highest among the groups gnomAD compares: Non-Finnish European, 0.00034%; no homozygotes.

Submission:

Labcorp Genetics (formerly Invitae), Labcorp
Classification: Uncertain significance. Last evaluated: 2022-07-06. Review status: criteria provided, single submitter. Criteria: Invitae Variant Classification Sherloc (09022015). Collection method: clinical testing. Allele origin: germline.
Comment: This sequence change replaces isoleucine, which is neutral and non-polar, with methionine, which is neutral and non-polar, at codon 717 of the BACH2 protein (p.Ile717Met). This variant is not present in population databases (gnomAD no frequency). In summary, the available evidence is currently insufficient to determine the role of this variant in disease. Therefore, it has been classified as a Variant of Uncertain Significance. Algorithms developed to predict the effect of missense changes on protein structure and function (SIFT, PolyPhen-2, Align-GVGD) all suggest that this variant is likely to be tolerated. ClinVar contains an entry for this variant (Variation ID: 1442076). This variant has not been reported in the literature in individuals affected with BACH2-related conditions.